The following is an entry in ClinVar:

ClinVar aggregate classification (germline): Pathogenic (1 of 4 stars; one submission).

Conditions:
Hereditary cancer-predisposing syndrome. Also called: Neoplastic Syndromes, Hereditary; Tumor predisposition; Hereditary Cancer Syndrome; Hereditary neoplastic syndrome. Identifiers: Orphanet 140162, MedGen C0027672, MeSH D009386, MONDO:0015356.

Submission:

Ambry Genetics
Classification: Pathogenic for Hereditary cancer-predisposing syndrome. Last evaluated: 2019-11-27. Review status: criteria provided, single submitter. Criteria: Ambry Variant Classification Scheme 2023. Collection method: clinical testing. Allele origin: germline.
Comment: The c.1957dupG pathogenic mutation, located in coding exon 4 of the MSH6 gene, results from a duplication of G at nucleotide position 1957, causing a translational frameshift with a predicted alternate stop codon (p.V653Gfs*8). This alteration is expected to result in loss of function by premature protein truncation or nonsense-mediated mRNA decay. As such, this alteration is interpreted as a disease-causing mutation.

NM_000179.3(MSH6):c.1957dup (p.Val653fs)

Gene: MSH6 (mutS homolog 6; plus strand). Cytogenetic location: 2p16.3.
Variant type: Duplication.
Coding change: c.1957dup on transcript NM_000179.3 (MANE Select); coding-DNA position 1957, one base duplicated (G; older notation c.1957dupG).
Protein change: p.Val653fs; shifts the reading frame from valine 653.
Molecular consequence: frameshift variant.
Genome position (GRCh38, 1-based): chr2:47,799,940, G duplicated; the last of 4 consecutive G bases (chr2:47,799,937-47,799,940); duplicating any one gives the same sequence. VCF-style (leftmost placement, unchanged base first): chr2-47799936-T-TG. GRCh37 (hg19) VCF-style: chr2-48027075-T-TG.
Other names: c.1567dup, p.Val523fs (NM_001281492.2); c.1051dup, p.Val351fs (NM_001281493.2, NM_001281494.2); c.2053dup, p.Val685Glyfs (NM_001406795.1, NM_001406802.1); c.1957dup, p.Val653Glyfs (NM_001406796.1, NM_001406798.1, NM_001406800.1 and 3 more transcripts); c.1660dup, p.Val554Glyfs (NM_001406797.1, NM_001406801.1, NM_001406805.1 and 10 more transcripts); c.1432dup, p.Val478Glyfs (NM_001406799.1, NM_001406806.1, NM_001406807.1); c.1879dup, p.Val627Glyfs (NM_001406804.1); c.1051dup, p.Val351Glyfs (NM_001406811.1, NM_001406812.1, NM_001406814.1 and 4 more transcripts); and 3 more; short protein forms V351fs, V653fs, V523fs.
Identifiers: ClinVar variation 1783335 (VCV001783335.2), dbSNP rs2530641078, ClinGen allele CA2580067735.